The following is an entry in ClinVar:

NM_001127898.4(CLCN5):c.2417C>T (p.Ala806Val)

Gene: CLCN5 (chloride voltage-gated channel 5; plus strand). Cytogenetic location: Xp11.23.
Variant type: single nucleotide variant.
Coding change: c.2417C>T on transcript NM_001127898.4 (MANE Select); coding-DNA position 2417, C replaced by T.
Protein change: p.Ala806Val; replaces alanine 806 with valine.
Molecular consequence: missense variant.
Genome position (GRCh38, 1-based): chrX:50,092,185, C>T. VCF-style: chrX-50092185-C-T. GRCh37 (hg19) VCF-style: chrX-49856842-C-T.
Other names: c.2207C>T, p.Ala736Val (NM_000084.5); c.2417C>T, p.Ala806Val (NM_001127899.4); c.2267C>T, p.Ala756Val (NM_001282163.2); c.2207C>T (NM_000084.2); short protein forms A756V, A806V, A736V.
Identifiers: ClinVar variation 1899879 (VCV001899879.6), dbSNP rs782682661, ClinGen allele CA10414009.
Genomic context (GRCh38, chrX:50,092,185, plus strand): 5'-TTAGGCGATTGCTTGGAATCATTACCAAAAAGGATGTGTTAAAGCATATAGCACAGATGG[C>T]GAACCAAGATCCTGATTCCATTCTCTTCAACTAGAATCATAGAGTTCTGGATGTAAAGCG-3'
Protein context (NP_001121370.1, residues 796-816): KDVLKHIAQM[Ala806Val]NQDPDSILFN

ClinVar aggregate classification (germline): Uncertain significance. Review status: criteria provided, multiple submitters, no conflicts (2 of 4 stars). 2 submissions from 2 submitters: Uncertain significance (2). Last evaluated 2025-11-13.

Conditions:
Inborn genetic diseases. Identifiers: MedGen C0950123, MeSH D030342.

Allele frequency attached by ClinVar (database versions not stated): ExAC 0.00001; gnomAD exomes 0.00001; TOPMed 0.00001; gnomAD 0.00002.
gnomAD v4.1: 10 of 1,199,761 alleles (0.00083%); highest among the groups gnomAD compares: South Asian, 0.0018%; no homozygotes.

Submissions (2):

Ambry Genetics
Classification: Uncertain significance for Inborn genetic diseases. Last evaluated: 2025-11-13. Review status: criteria provided, single submitter. Criteria: Ambry Variant Classification Scheme 2023. Collection method: clinical testing. Allele origin: germline.

Labcorp Genetics (formerly Invitae), Labcorp
Classification: Uncertain significance. Last evaluated: 2024-05-23. Review status: criteria provided, single submitter. Criteria: Invitae Variant Classification Sherloc (09022015). Collection method: clinical testing. Allele origin: germline.
Comment: This sequence change replaces alanine, which is neutral and non-polar, with valine, which is neutral and non-polar, at codon 736 of the CLCN5 protein (p.Ala736Val). This variant is present in population databases (rs782682661, gnomAD 0.005%). This variant has not been reported in the literature in individuals affected with CLCN5-related conditions. ClinVar contains an entry for this variant (Variation ID: 1899879). An algorithm developed to predict the effect of missense changes on protein structure and function (PolyPhen-2) suggests that this variant is likely to be tolerated. In summary, the available evidence is currently insufficient to determine the role of this variant in disease. Therefore, it has been classified as a Variant of Uncertain Significance.